The following is an entry in ClinVar:

ClinVar aggregate classification (germline): Uncertain significance (1 of 4 stars; one submission).

Conditions:
Autosomal recessive limb-girdle muscular dystrophy type 2U. Also called: Muscular dystrophy-dystroglycanopathy (limb-girdle), type c, 7; MUSCULAR DYSTROPHY, LIMB-GIRDLE, TYPE 2U. Identifiers: Orphanet 352479, MedGen C5190987, MONDO:0014474, OMIM 616052.
Muscular dystrophy-dystroglycanopathy (congenital with brain and eye anomalies), type A, 7. Also called: Congenital muscular dystrophy-dystroglycanopathy with brain and eye anomalies, type A7; WALKER-WARBURG SYNDROME OR MUSCLE-EYE-BRAIN DISEASE, ISPD-RELATED. Identifiers: Orphanet 899, MedGen C3553330, MONDO:0013835, OMIM 614643.

Allele frequency attached by ClinVar (database versions not stated): gnomAD exomes below 0.00001.
gnomAD v4.1: 1 of 1,607,354 alleles (0.000062%); highest among the groups gnomAD compares: East Asian, 0.0022%; no homozygotes.

Submission:

Labcorp Genetics (formerly Invitae), Labcorp
Classification: Uncertain significance for Muscular dystrophy-dystroglycanopathy (congenital with brain and eye anomalies), type A, 7; Autosomal recessive limb-girdle muscular dystrophy type 2U. Last evaluated: 2022-04-07. Review status: criteria provided, single submitter. Criteria: Invitae Variant Classification Sherloc (09022015). Collection method: clinical testing. Allele origin: germline.
Comment: This variant has not been reported in the literature in individuals affected with ISPD-related conditions. This variant is not present in population databases (gnomAD no frequency). This sequence change replaces phenylalanine, which is neutral and non-polar, with valine, which is neutral and non-polar, at codon 236 of the ISPD protein (p.Phe236Val). Algorithms developed to predict the effect of missense changes on protein structure and function are either unavailable or do not agree on the potential impact of this missense change (SIFT: "Deleterious"; PolyPhen-2: "Possibly Damaging"; Align-GVGD: "Class C15"). In summary, the available evidence is currently insufficient to determine the role of this variant in disease. Therefore, it has been classified as a Variant of Uncertain Significance.

NM_001101426.4(CRPPA):c.706T>G (p.Phe236Val)

Gene: CRPPA (CDP-L-ribitol pyrophosphorylase A; minus strand). Cytogenetic location: 7p21.2.
Variant type: single nucleotide variant.
Coding change: c.706T>G on transcript NM_001101426.4 (MANE Select); coding-DNA position 706, T replaced by G.
Protein change: p.Phe236Val; replaces phenylalanine 236 with valine.
Molecular consequence: missense variant. On other transcripts: intron variant (1).
Genome position (GRCh38, 1-based): chr7:16,308,606, A>C on the plus strand (T>G on the coding strand, the complement: CRPPA is on the minus strand). VCF-style: chr7-16308606-A-C. GRCh37 (hg19) VCF-style: chr7-16348231-A-C.
Other names: c.556T>G, p.Phe186Val (NM_001101417.4); c.685-7140T>G (NM_001368197.1); short protein forms F236V, F186V.
Identifiers: ClinVar variation 2154229 (VCV002154229.4), dbSNP rs2546675261, ClinGen allele CA367001736.